The following is an entry in ClinVar:

NM_001042492.3(NF1):c.7264_7265insT (p.Lys2422fs)

Gene: NF1 (neurofibromin 1; plus strand). Cytogenetic location: 17q11.2.
Variant type: Insertion.
Coding change: c.7264_7265insT on transcript NM_001042492.3 (MANE Select); coding-DNA positions 7264 to 7265, T inserted.
Protein change: p.Lys2422fs; shifts the reading frame from lysine 2422.
Molecular consequence: frameshift variant.
Genome position: GRCh38 VCF-style: chr17-31349194-A-AT. GRCh37 (hg19) VCF-style: chr17-29676212-A-AT.
Other names: c.7201_7202insT, p.Lys2401Ilefs (NM_000267.4); short protein forms K2422fs, K2401fs.
Identifiers: ClinVar variation 3652462 (VCV003652462.2).

ClinVar aggregate classification (germline): Pathogenic (1 of 4 stars; one submission).

Conditions:
Neurofibromatosis, type 1 (NF1). Also called: Peripheral type neurofibromatosis; VON RECKLINGHAUSEN DISEASE; Neurofibromatosis, type I; NEUROFIBROMATOSIS, TYPE I, SOMATIC. Identifiers: Orphanet 636, MedGen C0027831, MONDO:0018975, OMIM 162200. Disease mechanism: loss of function.

Submission:

Labcorp Genetics (formerly Invitae), Labcorp
Classification: Pathogenic for Neurofibromatosis, type 1. Last evaluated: 2024-05-31. Review status: criteria provided, single submitter. Criteria: Invitae Variant Classification Sherloc (09022015). Collection method: clinical testing. Allele origin: germline.
Comment: This sequence change creates a premature translational stop signal (p.Lys2401Ilefs*6) in the NF1 gene. It is expected to result in an absent or disrupted protein product. Loss-of-function variants in NF1 are known to be pathogenic (PMID: 10712197, 23913538). This variant is not present in population databases (gnomAD no frequency). This variant has not been reported in the literature in individuals affected with NF1-related conditions. Algorithms developed to predict the effect of sequence changes on RNA splicing suggest that this variant may disrupt the consensus splice site. For these reasons, this variant has been classified as Pathogenic.

Literature cited by the submitters: PubMed 10712197; PubMed 23913538.